The following is an entry in ClinVar:

ClinVar aggregate classification (germline): Uncertain significance (1 of 4 stars; one submission).

Submission:

GeneDx
Classification: Uncertain significance. Last evaluated: 2023-05-30. Review status: criteria provided, single submitter. Criteria: GeneDx Variant Classification Process June 2021. Collection method: clinical testing. Allele origin: germline. Affected: yes.
Comment: Not observed at significant frequency in large population cohorts (gnomAD); In silico analysis supports that this missense variant has a deleterious effect on protein structure/function; Has not been previously published as pathogenic or benign to our knowledge.

NM_004456.5(EZH2):c.1580C>T (p.Pro527Leu)

Gene: EZH2 (enhancer of zeste 2 polycomb repressive complex 2 subunit; minus strand). Cytogenetic location: 7q36.1.
Variant type: single nucleotide variant.
Coding change: c.1580C>T on transcript NM_004456.5 (MANE Select); coding-DNA position 1580, C replaced by T.
Protein change: p.Pro527Leu; replaces proline 527 with leucine.
Molecular consequence: missense variant. On other transcripts: intron variant (1).
Genome position (GRCh38, 1-based): chr7:148,815,006, G>A on the plus strand (C>T on the coding strand, the complement: EZH2 is on the minus strand). VCF-style: chr7-148815006-G-A. GRCh37 (hg19) VCF-style: chr7-148512098-G-A.
Other names: c.1565C>T, p.Pro522Leu (NM_001203247.2); c.1538C>T, p.Pro513Leu (NM_001203248.2); c.1448C>T, p.Pro483Leu (NM_152998.3); c.1504+500C>T (NM_001203249.2); short protein forms P483L, P513L, P522L, P527L.
Identifiers: ClinVar variation 3362004 (VCV003362004.1).